The following is an entry in ClinVar:

ClinVar aggregate classification (germline): Uncertain significance. Review status: criteria provided, multiple submitters, no conflicts (2 of 4 stars). 3 submissions from 3 submitters: Uncertain significance (3). Last evaluated 2024-01-15.

Conditions:
Inborn genetic diseases. Identifiers: MedGen C0950123, MeSH D030342.

Allele frequency attached by ClinVar (database versions not stated): gnomAD 0.00003 and 0.00004; ExAC 0.00004; TOPMed 0.00005; gnomAD exomes 0.00007 and 0.00010; ESP Exome Variant Server 0.00008; 1000 Genomes Project 30x 0.00016; 1000 Genomes Project 0.00020.
gnomAD v4.1: 157 of 1,612,140 alleles (0.0097%); highest among the groups gnomAD compares: Middle Eastern, 0.033%; no homozygotes.

Submissions (3):

Labcorp Genetics (formerly Invitae), Labcorp
Classification: Uncertain significance. Last evaluated: 2024-01-15. Review status: criteria provided, single submitter. Criteria: Invitae Variant Classification Sherloc (09022015). Collection method: clinical testing. Allele origin: germline.
Comment: This sequence change replaces arginine, which is basic and polar, with histidine, which is basic and polar, at codon 525 of the ZNF408 protein (p.Arg525His). This variant is present in population databases (rs143607576, gnomAD 0.01%). This variant has not been reported in the literature in individuals affected with ZNF408-related conditions. ClinVar contains an entry for this variant (Variation ID: 1381660). Algorithms developed to predict the effect of missense changes on protein structure and function output the following: SIFT: "Not Available"; PolyPhen-2: "Benign"; Align-GVGD: "Not Available". The histidine amino acid residue is found in multiple mammalian species, which suggests that this missense change does not adversely affect protein function. In summary, the available evidence is currently insufficient to determine the role of this variant in disease. Therefore, it has been classified as a Variant of Uncertain Significance.

Ambry Genetics
Classification: Uncertain significance for Inborn genetic diseases. Last evaluated: 2023-10-05. Review status: criteria provided, single submitter. Criteria: Ambry Variant Classification Scheme 2023. Collection method: clinical testing. Allele origin: germline.

Blueprint Genetics
Classification: Uncertain significance. Last evaluated: 2023-04-14. Review status: criteria provided, single submitter. Criteria: ACMG Guidelines, 2015. Collection method: clinical testing. Allele origin: germline.

NM_024741.3(ZNF408):c.1574G>A (p.Arg525His)

Gene: ZNF408 (zinc finger protein 408; plus strand). Cytogenetic location: 11p11.2.
Variant type: single nucleotide variant.
Coding change: c.1574G>A on transcript NM_024741.3 (MANE Select); coding-DNA position 1574, G replaced by A.
Protein change: p.Arg525His; replaces arginine 525 with histidine.
Molecular consequence: missense variant.
Genome position (GRCh38, 1-based): chr11:46,705,274, G>A. VCF-style: chr11-46705274-G-A. GRCh37 (hg19) VCF-style: chr11-46726824-G-A.
Other names: c.1550G>A, p.Arg517His (NM_001184751.2); c.1574G>A (NM_024741.2); short protein forms R525H, R517H.
Identifiers: ClinVar variation 1381660 (VCV001381660.8), dbSNP rs143607576, ClinGen allele CA5966603.
Genomic context (GRCh38, chr11:46,705,274, plus strand): 5'-TTCGTCAGCGGGGCAACCTGCGTGGGCATTTGCGGCTCCACACCGGGGAGCGTCCTTACC[G>A]CTGCCCACACTGTGCCGATGCCTTCCCCCAGCTGCCTGAACTGCGGCGCCATCTCATCTC-3'
Protein context (NP_079017.1, residues 515-535): LRLHTGERPY[Arg525His]CPHCADAFPQ